The following is an entry in ClinVar:

NM_017799.4(TMEM260):c.261T>C (p.Phe87=)

Gene: TMEM260 (transmembrane protein 260; plus strand). Cytogenetic location: 14q22.3.
Variant type: single nucleotide variant.
Coding change: c.261T>C on transcript NM_017799.4 (MANE Select); coding-DNA position 261, T replaced by C.
Protein change: p.Phe87=; no amino-acid change (phenylalanine 87 retained).
Molecular consequence: synonymous variant.
Genome position (GRCh38, 1-based): chr14:56,585,829, T>C. VCF-style: chr14-56585829-T-C. GRCh37 (hg19) VCF-style: chr14-57052547-T-C.
Identifiers: ClinVar variation 718530 (VCV000718530.6), dbSNP rs61732665, ClinGen allele CA7199680.

ClinVar aggregate classification (germline): Benign. Review status: criteria provided, multiple submitters, no conflicts (2 of 4 stars). 3 submissions from 3 submitters: Benign (2). 1 of the submissions does not count toward it. Last evaluated 2018-10-11.

Conditions:
TMEM260-related disorder. Also called: TMEM260-related condition.

Allele frequency attached by ClinVar (database versions not stated): gnomAD exomes 0.00061 and 0.00151; ExAC 0.00177; 1000 Genomes Project 0.00559; 1000 Genomes Project 30x 0.00578; gnomAD 0.00615 and 0.00667; TOPMed 0.00689; ESP Exome Variant Server 0.00838.
gnomAD v4.1: 1,841 of 1,613,542 alleles (0.11%); highest among the groups gnomAD compares: African/African-American, 2.2%; 23 homozygotes.

Submissions (3):

Labcorp Genetics (formerly Invitae), Labcorp
Classification: Benign. Last evaluated: 2018-10-11. Review status: criteria provided, single submitter. Criteria: Invitae Variant Classification Sherloc (09022015). Collection method: clinical testing. Allele origin: germline.

Breakthrough Genomics
Classification: Benign. Review status: criteria provided, single submitter. Criteria: ACMG Guidelines, 2015. Collection method: not provided. Allele origin: germline. Inheritance: Autosomal recessive inheritance. Affected: yes.

PreventionGenetics, part of Exact Sciences
Classification: Benign for TMEM260-related condition. Last evaluated: 2019-04-25. Review status: no assertion criteria provided. Collection method: clinical testing. Allele origin: germline. Not counted in ClinVar's aggregate classification.
Comment: This variant is classified as benign based on ACMG/AMP sequence variant interpretation guidelines (Richards et al. 2015 PMID: 25741868, with internal and published modifications).